The following is an entry in ClinVar:

NM_021625.5(TRPV4):c.552G>A (p.Glu184=)

Gene: TRPV4 (transient receptor potential cation channel subfamily V member 4; minus strand). Cytogenetic location: 12q24.11.
Variant type: single nucleotide variant.
Coding change: c.552G>A on transcript NM_021625.5 (MANE Select); coding-DNA position 552, G replaced by A.
Protein change: p.Glu184=; no amino-acid change (glutamic acid 184 retained).
Molecular consequence: synonymous variant.
Genome position (GRCh38, 1-based): chr12:109,808,303, C>T on the plus strand (G>A on the coding strand, the complement: TRPV4 is on the minus strand). VCF-style: chr12-109808303-C-T. GRCh37 (hg19) VCF-style: chr12-110246108-C-T.
Other names: c.552G>A, p.Glu184= (NM_001177428.2, NM_001177433.2, NM_147204.3); c.450G>A, p.Glu150= (NM_001177431.2).
Identifiers: ClinVar variation 3381551 (VCV003381551.2).

ClinVar aggregate classification (germline): Conflicting classifications of pathogenicity. Review status: criteria provided, conflicting classifications (1 of 4 stars). 2 submissions from 2 submitters: Uncertain significance (1); Likely benign (1). Last evaluated 2026-06-23.

Conditions:
TRPV4-related disorder. Also called: TRPV4-related disorders; TRPV4-related condition.

gnomAD v4.1: 2 of 1,614,088 alleles (0.00012%); highest among the groups gnomAD compares: African/African-American, 0.0027%; no homozygotes.

Submissions (2):

PreventionGenetics, part of Exact Sciences
Classification: Likely benign for TRPV4-related condition. Last evaluated: 2026-06-23. Review status: criteria provided, single submitter. Criteria: ACMG Guidelines, 2015. Collection method: clinical testing. Allele origin: germline.
Comment: This variant is classified as likely benign based on ACMG/AMP sequence variant interpretation guidelines (Richards et al. 2015 PMID: 25741868, with internal and published modifications).

GeneDx
Classification: Uncertain significance. Last evaluated: 2024-05-21. Review status: criteria provided, single submitter. Criteria: GeneDx Variant Classification Process June 2021. Collection method: clinical testing. Allele origin: germline. Affected: yes.
Comment: Not observed at significant frequency in large population cohorts (gnomAD); In silico analysis indicates that this variant does not alter splicing; Has not been previously published as pathogenic or benign to our knowledge